The following is an entry in ClinVar:

ClinVar aggregate classification (germline): Uncertain significance (1 of 4 stars; one submission).

Submission:

Labcorp Genetics (formerly Invitae), Labcorp
Classification: Uncertain significance. Last evaluated: 2025-06-09. Review status: criteria provided, single submitter. Criteria: Invitae Variant Classification Sherloc (09022015). Collection method: clinical testing. Allele origin: germline.
Comment: This sequence change replaces asparagine, which is neutral and polar, with serine, which is neutral and polar, at codon 226 of the LRRC10 protein (p.Asn226Ser). This variant is not present in population databases (gnomAD no frequency). This variant has not been reported in the literature in individuals affected with LRRC10-related conditions. An algorithm developed to predict the effect of missense changes on protein structure and function (PolyPhen-2) suggests that this variant is likely to be disruptive. In summary, the available evidence is currently insufficient to determine the role of this variant in disease. Therefore, it has been classified as a Variant of Uncertain Significance.

NM_201550.4(LRRC10):c.677A>G (p.Asn226Ser)

Gene: LRRC10 (leucine rich repeat containing 10; minus strand). Cytogenetic location: 12q15.
Variant type: single nucleotide variant.
Coding change: c.677A>G on transcript NM_201550.4 (MANE Select); coding-DNA position 677, A replaced by G.
Protein change: p.Asn226Ser; replaces asparagine 226 with serine.
Molecular consequence: missense variant.
Genome position (GRCh38, 1-based): chr12:69,610,162, T>C on the plus strand (A>G on the coding strand, the complement: LRRC10 is on the minus strand). VCF-style: chr12-69610162-T-C. GRCh37 (hg19) VCF-style: chr12-70003942-T-C.
Other names: short protein forms N226S.
Identifiers: ClinVar variation 4783127 (VCV004783127.1).
Genomic context (GRCh38, chr12:69,610,162, plus strand): 5'-TCTGGCGTCTCCTCTGCCCATCTCCCCACACGGCGCACACCTTTGGCCACCTTGGGTGCG[T>C]TCCTGCAAGGATTGTGGTCATAGATGACCAGCTTCAGACTTGACAGGTGCGCCAGGCTGG-3'
Protein context (NP_963844.2, residues 216-236): LVIYDHNPCR[Asn226Ser]APKVAKGVRR